The following is an entry in ClinVar:

NM_000211.5(ITGB2):c.702G>A (p.Glu234=)

Gene: ITGB2 (integrin subunit beta 2; minus strand). Cytogenetic location: 21q22.3.
Variant type: single nucleotide variant.
Coding change: c.702G>A on transcript NM_000211.5 (MANE Select); coding-DNA position 702, G replaced by A.
Protein change: p.Glu234=; no amino-acid change (glutamic acid 234 retained).
Molecular consequence: synonymous variant.
Genome position (GRCh38, 1-based): chr21:44,901,531, C>T on the plus strand (G>A on the coding strand, the complement: ITGB2 is on the minus strand). VCF-style: chr21-44901531-C-T. GRCh37 (hg19) VCF-style: chr21-46321446-C-T.
Other names: c.702G>A, p.Glu234= (NM_001127491.3); c.495G>A, p.Glu165= (NM_001303238.2).
Identifiers: ClinVar variation 1008376 (VCV001008376.6), dbSNP rs747079516, ClinGen allele CA321851379.

ClinVar aggregate classification (germline): Uncertain significance (1 of 4 stars; one submission).

Conditions:
Leukocyte adhesion deficiency 1 (LAD1). Also called: LEUKOCYTE ADHESION DEFICIENCY, TYPE I; LAD 1; Lymphocyte function-associated antigen 1 immunodeficiency; LFA 1 immunodeficiency. Identifiers: Orphanet 2968, Orphanet 99842, MedGen C0398738, MONDO:0007293, OMIM 116920.

Allele frequency attached by ClinVar (database versions not stated): gnomAD exomes below 0.00001 and 0.00002; gnomAD 0.00001; TOPMed 0.00001.
gnomAD v4.1: 33 of 1,614,148 alleles (0.002%); highest among the groups gnomAD compares: Non-Finnish European, 0.0028%; no homozygotes.

Submission:

Labcorp Genetics (formerly Invitae), Labcorp
Classification: Uncertain significance for Leukocyte adhesion deficiency 1. Last evaluated: 2022-07-25. Review status: criteria provided, single submitter. Criteria: Invitae Variant Classification Sherloc (09022015). Collection method: clinical testing. Allele origin: germline.
Comment: ClinVar contains an entry for this variant (Variation ID: 1008376). This variant has not been reported in the literature in individuals affected with ITGB2-related conditions. This variant is present in population databases (rs747079516, gnomAD 0.0009%). This sequence change affects codon 234 of the ITGB2 mRNA. It is a 'silent' change, meaning that it does not change the encoded amino acid sequence of the ITGB2 protein. In summary, the available evidence is currently insufficient to determine the role of this variant in disease. Therefore, it has been classified as a Variant of Uncertain Significance. Algorithms developed to predict the effect of sequence changes on RNA splicing suggest that this variant may create or strengthen a splice site.